The following is an entry in ClinVar:

NM_006946.4(SPTBN2):c.2006C>G (p.Thr669Arg)

Gene: SPTBN2 (spectrin beta, non-erythrocytic 2; minus strand). Cytogenetic location: 11q13.2.
Variant type: single nucleotide variant.
Coding change: c.2006C>G on transcript NM_006946.4 (MANE Select); coding-DNA position 2006, C replaced by G.
Protein change: p.Thr669Arg; replaces threonine 669 with arginine.
Molecular consequence: missense variant.
Genome position (GRCh38, 1-based): chr11:66,705,270, G>C on the plus strand (C>G on the coding strand, the complement: SPTBN2 is on the minus strand). VCF-style: chr11-66705270-G-C. GRCh37 (hg19) VCF-style: chr11-66472741-G-C.
Other names: c.2027C>G, p.Thr676Arg (NM_001411025.1); short protein forms T669R, T676R.
Identifiers: ClinVar variation 3765909 (VCV003765909.1).

ClinVar aggregate classification (germline): Uncertain significance (1 of 4 stars; one submission).

gnomAD v4.1: 3 of 1,592,532 alleles (0.00019%); highest among the groups gnomAD compares: African/African-American, 0.0013%; no homozygotes.

Submission:

GeneDx
Classification: Uncertain significance. Last evaluated: 2024-09-03. Review status: criteria provided, single submitter. Criteria: GeneDx Variant Classification Process June 2021. Collection method: clinical testing. Allele origin: germline. Affected: yes.
Comment: Not observed at significant frequency in large population cohorts (gnomAD); In silico analysis indicates that this missense variant does not alter protein structure/function; Has not been previously published as pathogenic or benign to our knowledge